The following is an entry in ClinVar:

NM_000256.3(MYBPC3):c.3491-2A>T

Gene: MYBPC3 (myosin binding protein C3; minus strand). Cytogenetic location: 11p11.2.
Variant type: single nucleotide variant.
Coding change: c.3491-2A>T on transcript NM_000256.3 (MANE Select); the canonical splice acceptor site of the intron before coding-DNA position 3491, A replaced by T.
Molecular consequence: splice acceptor variant.
Genome position (GRCh38, 1-based): chr11:47,332,704, T>A on the plus strand (A>T on the coding strand, the complement: MYBPC3 is on the minus strand). VCF-style: chr11-47332704-T-A. GRCh37 (hg19) VCF-style: chr11-47354255-T-A.
Identifiers: ClinVar variation 42717 (VCV000042717.21), dbSNP rs397516022, ClinGen allele CA014265.

ClinVar aggregate classification (germline): Pathogenic/Likely pathogenic. Review status: criteria provided, multiple submitters, no conflicts (2 of 4 stars). 9 submissions from 8 submitters: Pathogenic (7); Likely pathogenic (2). Last evaluated 2026-03-11.

Conditions:
MYBPC3-related disorder. Also called: MYBPC3-related disorders; MYBPC3-related condition; MYBPC3-related disease.
Left ventricular noncompaction 10 (LVNC10). Identifiers: Orphanet 154, Orphanet 54260, MedGen C3715165, MONDO:0014163, OMIM 615396.
Hypertrophic cardiomyopathy 4. Also called: Familial hypertrophic cardiomyopathy 4. Identifiers: MedGen C1861862, MONDO:0007268, OMIM 115197.
Hypertrophic cardiomyopathy. Also called: HYPERTROPHIC MYOCARDIOPATHY. Identifiers: Orphanet 217569, MedGen C0007194, MeSH D002312, MONDO:0005045, HP:0001639.

Allele frequency attached by ClinVar (database versions not stated): gnomAD 0.00001.
gnomAD v4.1: 1 of 1,606,290 alleles (0.000062%); highest among the groups gnomAD compares: African/African-American, 0.0013%; no homozygotes.

Submissions (9):

GeneDx
Classification: Likely pathogenic. Last evaluated: 2026-03-11. Review status: criteria provided, single submitter. Criteria: GeneDx Variant Classification Process June 2021. Collection method: clinical testing. Allele origin: germline. Affected: yes.
Comment: Canonical splice site variant predicted to result in a null allele in a gene for which loss of function is a known mechanism of disease; Not observed at significant frequency in large population cohorts (gnomAD); This variant is associated with the following publications: (PMID: 27532257, 31006259, 37652022, 25611685, 30282064, 34714385)

Labcorp Genetics (formerly Invitae), Labcorp
Classification: Pathogenic for Hypertrophic cardiomyopathy. Last evaluated: 2025-11-24. Review status: criteria provided, single submitter. Criteria: Invitae Variant Classification Sherloc (09022015). Collection method: clinical testing. Allele origin: germline.
Comment: This sequence change affects an acceptor splice site in intron 31 of the MYBPC3 gene. It is expected to disrupt RNA splicing. Variants that disrupt the donor or acceptor splice site typically lead to a loss of protein function (PMID: 16199547), and loss-of-function variants in MYBPC3 are known to be pathogenic (PMID: 19574547). This variant is not present in population databases (gnomAD no frequency). Disruption of this splice site has been observed in individuals with clinical features of hypertrophic cardiomyopathy (PMID: 23283745, 25611685, 27532257, 30282064). ClinVar contains an entry for this variant (Variation ID: 42717). Algorithms developed to predict the effect of sequence changes on RNA splicing suggest that this variant may disrupt the consensus splice site. For these reasons, this variant has been classified as Pathogenic.

Illumina Laboratory Services, Illumina
Classification: Pathogenic for Hypertrophic cardiomyopathy 4. Last evaluated: 2023-05-12. Review status: criteria provided, single submitter. Criteria: ICSLVariantClassificationCriteria RUGD 01 April 2020. Collection method: clinical testing. Allele origin: unknown.
Comment: The MYBPC3 c.3491-2A>T variant results in a substitution at the consensus splice acceptor site, which may result in splicing defects. This variant has been reported in at least five unrelated individuals with hypertrophic cardiomyopathy (PMID: 25611685; PMID: 30282064; PMID: 31006259). This variant has been classified as pathogenic by at least three submitters in ClinVar. This variant is not observed at a significant frequency in version 2.1.1 or version 3.1.2 of the Genome Aggregation Database. Additionally, other substitutions at this same splice acceptor junction, such as c.3491-1G>A and c.3491-3C>G, have been reported in other patients with hypertrophic cardiomyopathy (PMID: 23283745; PMID: 30645170). Based on the available evidence, the c.3491-2A>T variant is classified as pathogenic for hypertrophic cardiomyopathy.

Baylor Genetics
Classification: Pathogenic for Left ventricular noncompaction 10. Last evaluated: 2023-05-08. Review status: criteria provided, single submitter. Criteria: ACMG Guidelines, 2015. Collection method: clinical testing. Allele origin: unknown.

Baylor Genetics
Classification: Pathogenic for Hypertrophic cardiomyopathy 4. Last evaluated: 2023-05-08. Review status: criteria provided, single submitter. Criteria: ACMG Guidelines, 2015. Collection method: clinical testing. Allele origin: unknown.

AiLife Diagnostics
Classification: Pathogenic. Last evaluated: 2021-08-16. Review status: criteria provided, single submitter. Criteria: ACMG Guidelines, 2015. Collection method: clinical testing. Allele origin: germline. Affected: yes. Observed: 1 variant allele.

Blueprint Genetics
Classification: Pathogenic for MYBPC3-related disorders. Last evaluated: 2021-04-21. Review status: criteria provided, single submitter. Criteria: ACMG Guidelines, 2015. Collection method: clinical testing. Allele origin: germline. Affected: yes. Observed: 3 variant alleles.

Molecular Diagnostic Laboratory for Inherited Cardiovascular Disease, Montreal Heart Institute
Classification: Likely pathogenic. Last evaluated: 2019-11-15. Review status: criteria provided, single submitter. Criteria: ACMG Guidelines, 2015. Collection method: clinical testing. Allele origin: germline. Affected: yes.

Laboratory for Molecular Medicine, Mass General Brigham Personalized Medicine
Classification: Pathogenic for Hypertrophic cardiomyopathy. Last evaluated: 2012-04-18. Review status: criteria provided, single submitter. Criteria: LMM Criteria. Collection method: clinical testing. Allele origin: germline. Observed: 3 variant alleles.
Comment: The 3491-2A>T variant (MYBPC3) has been identified in three individuals with HCM tested by our laboratory. This variant occurs in the invariant region (+/- 1,2) of the splice consensus sequence and is predicted to cause altered splicing lea ding to an abnormal or absent protein. Heterozygous loss of function of the MYBP C3 gene is an established disease mechanism in HCM. In summary, this variant mee ts our criteria for pathogenicity.

Literature cited by the submitters: PubMed 16199547 (cited by Labcorp Genetics (formerly Invitae), Labcorp); PubMed 19574547 (cited by Labcorp Genetics (formerly Invitae), Labcorp); PubMed 23283745 (cited by Labcorp Genetics (formerly Invitae), Labcorp and Illumina Laboratory Services, Illumina); PubMed 25611685 (cited by 3 submitters); PubMed 27532257 (cited by 3 submitters); PubMed 30282064 (cited by 3 submitters); PubMed 31006259 (cited by Illumina Laboratory Services, Illumina and AiLife Diagnostics); PubMed 30645170 (cited by Illumina Laboratory Services, Illumina).